The following is an entry in ClinVar:

NM_000075.4(CDK4):c.96G>A (p.Val32=)

Gene: CDK4 (cyclin dependent kinase 4; minus strand). Cytogenetic location: 12q14.1.
Variant type: single nucleotide variant.
Coding change: c.96G>A on transcript NM_000075.4 (MANE Select); coding-DNA position 96, G replaced by A.
Protein change: p.Val32=; no amino-acid change (valine 32 retained).
Molecular consequence: synonymous variant.
Genome position (GRCh38, 1-based): chr12:57,751,622, C>T on the plus strand (G>A on the coding strand, the complement: CDK4 is on the minus strand). VCF-style: chr12-57751622-C-T. GRCh37 (hg19) VCF-style: chr12-58145405-C-T.
Other names: c.96G>A (NM_000075.3).
Identifiers: ClinVar variation 3378742 (VCV003378742.2).

ClinVar aggregate classification (germline): Benign/Likely benign. Review status: criteria provided, multiple submitters, no conflicts (2 of 4 stars). 2 submissions from 2 submitters: Benign (1); Likely benign (1). Last evaluated 2026-07-05.

Conditions:
Melanoma, cutaneous malignant, susceptibility to, 3. Also called: Cutaneous malignant melanoma 3. Identifiers: Orphanet 618, MedGen C1836892, MONDO:0012183, OMIM 609048.
Hereditary cancer-predisposing syndrome. Also called: Tumor predisposition; Hereditary Cancer Syndrome; Hereditary neoplastic syndrome; Neoplastic Syndromes, Hereditary. Identifiers: Orphanet 140162, MedGen C0027672, MeSH D009386, MONDO:0015356.

Submissions (2):

Ambry Genetics
Classification: Likely benign for Hereditary cancer-predisposing syndrome. Last evaluated: 2026-07-05. Review status: criteria provided, single submitter. Criteria: Ambry Variant Classification Scheme 2023. Collection method: clinical testing. Allele origin: germline.

Myriad Genetics, Inc.
Classification: Benign for Melanoma, cutaneous malignant, susceptibility to, 3. Last evaluated: 2024-09-24. Review status: criteria provided, single submitter. Criteria: Myriad Autosomal Dominant, Autosomal Recessive and X-Linked Classification Criteria (2023). Collection method: clinical testing. Allele origin: unknown.
Comment: This variant is considered benign. This variant is a silent/synonymous amino acid change and it is not expected to impact splicing.